The following is an entry in ClinVar:

ClinVar aggregate classification (germline): Likely pathogenic (1 of 4 stars; one submission).

Conditions:
IFT74-related disorder. Also called: IFT74-Related Disorders; IFT74-related condition.

Submission:

PreventionGenetics, part of Exact Sciences
Classification: Likely pathogenic for IFT74-related condition. Last evaluated: 2024-10-26. Review status: criteria provided, single submitter. Criteria: ACMG Guidelines, 2015. Collection method: clinical testing. Allele origin: germline.
Comment: The IFT74 c.1383_1386delTAAG variant is predicted to result in a frameshift and premature protein termination (p.Ser461Argfs*2). To our knowledge, this variant has not been reported in the literature or in a large population database (gnomAD), indicating this variant is rare. Frameshift variants in IFT74 are expected to be pathogenic. This variant is interpreted as likely pathogenic.

NM_025103.4(IFT74):c.1383_1386del (p.Ser461fs)

Gene: IFT74 (intraflagellar transport 74; plus strand). Cytogenetic location: 9p21.2.
Variant type: Deletion.
Coding change: c.1383_1386del on transcript NM_025103.4 (MANE Select); coding-DNA positions 1383 to 1386, 4 bases deleted (TAAG; older notation c.1383_1386delTAAG).
Protein change: p.Ser461fs; shifts the reading frame from serine 461.
Molecular consequence: frameshift variant.
Genome position (GRCh38, 1-based): chr9:27,055,658-27,055,661, TAAG deleted; deleting any 4 consecutive bases within chr9:27,055,655-27,055,661 gives the same sequence; the c. name uses the placement nearest the transcript's 3' end. VCF-style (leftmost placement, unchanged base first): chr9-27055654-AAAGT-A. GRCh37 (hg19) VCF-style: chr9-27055652-AAAGT-A.
Other names: c.1383_1386del, p.Ser461fs (NM_001099222.3, NM_001099223.3, NM_001349928.2); short protein forms S461fs.
Identifiers: ClinVar variation 5001975 (VCV005001975.1).
Genomic context (GRCh38, chr9:27,055,654, plus strand): 5'-ATTCTTATGTTTCAGACATTCAACGTCTGCAGTTGGATCTGCAGAAAATGGAGCTTCTAG[AAAGT>A]AAGATGACTGAAGAACAGCATTCTCTAAAAAGCAAAATTAAGCAAATGACAACTGATCTG-3'